The following is an entry in ClinVar:

ClinVar aggregate classification (germline): Conflicting classifications of pathogenicity. Review status: criteria provided, conflicting classifications (1 of 4 stars). 5 submissions from 5 submitters: Uncertain significance (2); Likely benign (3). Last evaluated 2026-07-01.

Conditions:
Saldino-Mainzer syndrome (SRTD9). Also called: Renal dysplasia, retinal pigmentary dystrophy, cerebellar ataxia and skeletal dysplasia; CONORENAL SYNDROME; SHORT-RIB THORACIC DYSPLASIA 9 WITHOUT POLYDACTYLY; short-rib thoracic dysplasia 9 with or without polydactyly. Identifiers: Orphanet 140969, MedGen C1849437, MONDO:0009964, OMIM 266920.
Inborn genetic diseases. Identifiers: MedGen C0950123, MeSH D030342.

Allele frequency attached by ClinVar (database versions not stated): ExAC 0.00002; ESP Exome Variant Server 0.00008; gnomAD 0.00011 and 0.00013; TOPMed 0.00014.
gnomAD v4.1: 40 of 1,613,052 alleles (0.0025%); highest among the groups gnomAD compares: African/African-American, 0.032%; no homozygotes.

Submissions (5):

CeGaT Center for Human Genetics Tuebingen
Classification: Uncertain significance. Last evaluated: 2026-07-01. Review status: criteria provided, single submitter. Criteria: CeGaT Center For Human Genetics Tuebingen Variant Classification Criteria Version 2. Collection method: clinical testing. Allele origin: germline. Affected: yes. Observed: 1 variant allele.
Comment: IFT140: PM5, BP4

Labcorp Genetics (formerly Invitae), Labcorp
Classification: Likely benign for Saldino-Mainzer syndrome. Last evaluated: 2026-01-26. Review status: criteria provided, single submitter. Criteria: Invitae Variant Classification Sherloc (09022015). Collection method: clinical testing. Allele origin: germline.

Blueprint Genetics
Classification: Likely benign. Last evaluated: 2024-10-08. Review status: criteria provided, single submitter. Criteria: ACMG Guidelines, 2015. Collection method: clinical testing. Allele origin: germline.

Ambry Genetics
Classification: Likely benign for Inborn genetic diseases. Last evaluated: 2023-12-09. Review status: criteria provided, single submitter. Criteria: Ambry Variant Classification Scheme 2023. Collection method: clinical testing. Allele origin: germline.

GeneDx
Classification: Uncertain significance. Last evaluated: 2023-11-27. Review status: criteria provided, single submitter. Criteria: GeneDx Variant Classification Process June 2021. Collection method: clinical testing. Allele origin: germline. Affected: yes.
Comment: In silico analysis supports that this missense variant does not alter protein structure/function; Reported in a control cohort from the Exome Variant Server database in the published literature (PMID: 26934580); This variant is associated with the following publications: (PMID: 26934580)

NM_014714.4(IFT140):c.1220G>A (p.Arg407Gln)

Genes: IFT140 (intraflagellar transport 140; minus strand), LOC105371046 (uncharacterized LOC105371046; plus strand). Cytogenetic location: 16p13.3.
Variant type: single nucleotide variant.
Coding change: c.1220G>A on transcript NM_014714.4 (MANE Select); coding-DNA position 1220, G replaced by A.
Protein change: p.Arg407Gln; replaces arginine 407 with glutamine.
Molecular consequence: missense variant.
Genome position (GRCh38, 1-based): chr16:1,584,356, C>T on the plus strand (G>A on the coding strand, the complement: IFT140 is on the minus strand). VCF-style: chr16-1584356-C-T. GRCh37 (hg19) VCF-style: chr16-1634357-C-T.
Other names: short protein forms R407Q.
Identifiers: ClinVar variation 846506 (VCV000846506.14), dbSNP rs151198844, ClinGen allele CA7814398.
Genomic context (GRCh38, chr16:1,584,356, plus strand): 5'-AGCAGACTCGGGGAGACCTGCATGGCGGCCACTTGCTGGTGGAAGTGTGACGACATGGCC[C>T]GCTCGCTGAGGATGGCCACGGAGATGACGCTGTTCACTGCCAGCAGGTTCTTCCTGGAAC-3'
Protein context (NP_055529.2, residues 397-417): SVISVAILSE[Arg407Gln]AMSSHFHQQV